The following is an entry in ClinVar:

ClinVar aggregate classification (germline): Benign (1 of 4 stars; one submission).

Allele frequency attached by ClinVar (database versions not stated): gnomAD exomes 0.02726; gnomAD 0.04914 and 0.05107; TOPMed 0.05381; 1000 Genomes Project 0.06609; 1000 Genomes Project 30x 0.06808.
gnomAD v4.1: 15,323 of 433,252 alleles (3.5%); highest among the groups gnomAD compares: African/African-American, 12%; 513 homozygotes.

Submission:

GeneDx
Classification: Benign. Last evaluated: 2018-06-14. Review status: criteria provided, single submitter. Criteria: GeneDx Variant Classification (06012015). Collection method: clinical testing. Allele origin: germline. Affected: yes.
Comment: This variant is considered likely benign or benign based on one or more of the following criteria: it is a conservative change, it occurs at a poorly conserved position in the protein, it is predicted to be benign by multiple in silico algorithms, and/or has population frequency not consistent with disease.

NM_005097.4(LGI1):c.287+287A>G

Gene: LGI1 (leucine rich glioma inactivated 1; plus strand). Cytogenetic location: 10q23.33.
Variant type: single nucleotide variant.
Coding change: c.287+287A>G on transcript NM_005097.4 (MANE Select); 287 bases into the intron after coding-DNA position 287, A replaced by G.
Molecular consequence: intron variant.
Genome position (GRCh38, 1-based): chr10:93,759,118, A>G. VCF-style: chr10-93759118-A-G. GRCh37 (hg19) VCF-style: chr10-95518875-A-G.
Other names: c.287+287A>G (NM_001308275.2, NM_001308276.2).
Identifiers: ClinVar variation 669726 (VCV000669726.1), dbSNP rs9420628, ClinGen allele CA211603810.